The following is an entry in ClinVar:

NM_000282.4(PCCA):c.415-1G>A

Gene: PCCA (propionyl-CoA carboxylase subunit alpha; plus strand). Cytogenetic location: 13q32.3.
Variant type: single nucleotide variant.
Coding change: c.415-1G>A on transcript NM_000282.4 (MANE Select); the canonical splice acceptor site of the intron before coding-DNA position 415, G replaced by A.
Molecular consequence: splice acceptor variant.
Genome position (GRCh38, 1-based): chr13:100,157,286, G>A. VCF-style: chr13-100157286-G-A. GRCh37 (hg19) VCF-style: chr13-100809540-G-A.
Other names: c.415-1G>A (NM_001178004.2, NM_001352605.2, NM_001352606.2 and 1 more transcripts); c.-452-1G>A (NM_001352610.2, NM_001352611.2, NM_001352612.2); c.337-1G>A (NM_001127692.3, NM_001352607.2, NM_001352608.2).
Identifiers: ClinVar variation 2754350 (VCV002754350.3), dbSNP rs2542894392, ClinGen allele CA388693808.

ClinVar aggregate classification (germline): Pathogenic (1 of 4 stars; one submission).

Conditions:
Propionic acidemia (PROP). Also called: GLYCINEMIA, KETOTIC; HYPERGLYCINEMIA WITH KETOACIDOSIS AND LEUKOPENIA; KETOTIC HYPERGLYCINEMIA. Identifiers: Orphanet 35, MedGen C0268579, MONDO:0011628, OMIM 606054, HP:0003571.

Submission:

Labcorp Genetics (formerly Invitae), Labcorp
Classification: Pathogenic for Propionic acidemia. Last evaluated: 2023-08-22. Review status: criteria provided, single submitter. Criteria: Invitae Variant Classification Sherloc (09022015). Collection method: clinical testing. Allele origin: germline.
Comment: This sequence change affects an acceptor splice site in intron 5 of the PCCA gene. It is expected to disrupt RNA splicing. Variants that disrupt the donor or acceptor splice site typically lead to a loss of protein function (PMID: 16199547), and loss-of-function variants in PCCA are known to be pathogenic (PMID: 15464417). This variant is not present in population databases (gnomAD no frequency). Disruption of this splice site has been observed in individual(s) with propionic acidemia (PMID: 22033733). Algorithms developed to predict the effect of sequence changes on RNA splicing suggest that this variant may disrupt the consensus splice site. For these reasons, this variant has been classified as Pathogenic.

Literature cited by the submitters: PubMed 16199547; PubMed 15464417; PubMed 22033733.